The following is an entry in ClinVar:

ClinVar aggregate classification (germline): Uncertain significance (1 of 4 stars; one submission).

Allele frequency attached by ClinVar (database versions not stated): gnomAD exomes below 0.00001; gnomAD 0.00001; TOPMed 0.00001; ESP Exome Variant Server 0.00008.
gnomAD v4.1: 2 of 1,613,280 alleles (0.00012%); highest among the groups gnomAD compares: African/African-American, 0.0027%; no homozygotes.

Submission:

Mayo Clinic Laboratories, Mayo Clinic
Classification: Uncertain significance. Last evaluated: 2022-04-15. Review status: criteria provided, single submitter. Criteria: ACMG Guidelines, 2015. Collection method: clinical testing. Allele origin: germline. Observed: 1 variant allele.
Comment: PM2

NM_001267550.2(TTN):c.62451G>T (p.Arg20817Ser)

Genes: TTN (titin; minus strand), TTN-AS1 (TTN antisense RNA 1; plus strand). Cytogenetic location: 2q31.2.
Variant type: single nucleotide variant.
Coding change: c.62451G>T on transcript NM_001267550.2 (MANE Select); coding-DNA position 62451, G replaced by T.
Protein change: p.Arg20817Ser; replaces arginine 20817 with serine.
Molecular consequence: missense variant.
Genome position (GRCh38, 1-based): chr2:178,589,274, C>A on the plus strand (G>T on the coding strand, the complement: TTN is on the minus strand). VCF-style: chr2-178589274-C-A. GRCh37 (hg19) VCF-style: chr2-179454001-C-A.
Other names: p.Arg18249Ser; c.57528G>T, p.Arg19176Ser (NM_001256850.1); c.35256G>T, p.Arg11752Ser (NM_003319.4); c.54747G>T, p.Arg18249Ser (NM_133378.4); c.35631G>T, p.Arg11877Ser (NM_133432.3); c.35832G>T, p.Arg11944Ser (NM_133437.4); short protein forms R11752S, R11877S, R11944S, R18249S, R19176S, R20817S.
Identifiers: ClinVar variation 2682773 (VCV002682773.1), dbSNP rs372984487, ClinGen allele CA60967180.